The following is an entry in ClinVar:

NM_177438.3(DICER1):c.4751G>C (p.Cys1584Ser)

Gene: DICER1 (dicer 1, ribonuclease III; minus strand). Cytogenetic location: 14q32.13.
Variant type: single nucleotide variant.
Coding change: c.4751G>C on transcript NM_177438.3 (MANE Select); coding-DNA position 4751, G replaced by C.
Protein change: p.Cys1584Ser; replaces cysteine 1584 with serine.
Molecular consequence: missense variant.
Genome position (GRCh38, 1-based): chr14:95,096,169, C>G on the plus strand (G>C on the coding strand, the complement: DICER1 is on the minus strand). VCF-style: chr14-95096169-C-G. GRCh37 (hg19) VCF-style: chr14-95562506-C-G.
Other names: c.4751G>C, p.Cys1584Ser (NM_001195573.1, NM_001271282.3, NM_001291628.2 and 1 more transcripts); short protein forms C1584S.
Identifiers: ClinVar variation 1393007 (VCV001393007.7), dbSNP rs2139844200, ClinGen allele CA390867317.
Genomic context (GRCh38, chr14:95,096,169, plus strand): 5'-CACAGGGCCTTTTCCCGATCAGTCCTTTTAATTACCGGGAGCACCTTCAGCCCCAGTGAA[C>G]AGAGGAAAAGCTGAGCAGCCCTCTCCCCACAGCTGGTTAAATAGCAGCCCAGCAGGGCTT-3'
Protein context (NP_803187.1, residues 1574-1594): CGERAAQLFL[Cys1584Ser]SLGLKVLPVI

ClinVar aggregate classification (germline): Uncertain significance (1 of 4 stars; one submission).

Conditions:
DICER1-related tumor predisposition. Also called: DICER1 syndrome; DICER1-related pleuropulmonary blastoma cancer predisposition syndrome. Identifiers: Orphanet 284343, MedGen C3839822, MONDO:0100216.

Submission:

Labcorp Genetics (formerly Invitae), Labcorp
Classification: Uncertain significance for DICER1-related tumor predisposition. Last evaluated: 2021-11-13. Review status: criteria provided, single submitter. Criteria: Invitae Variant Classification Sherloc (09022015). Collection method: clinical testing. Allele origin: germline.
Comment: In summary, the available evidence is currently insufficient to determine the role of this variant in disease. Therefore, it has been classified as a Variant of Uncertain Significance. Algorithms developed to predict the effect of missense changes on protein structure and function (SIFT, PolyPhen-2, Align-GVGD) all suggest that this variant is likely to be tolerated. This variant has not been reported in the literature in individuals affected with DICER1-related conditions. This variant is not present in population databases (gnomAD no frequency). This sequence change replaces cysteine, which is neutral and slightly polar, with serine, which is neutral and polar, at codon 1584 of the DICER1 protein (p.Cys1584Ser).